The following is an entry in ClinVar:

ClinVar aggregate classification (germline): Uncertain significance (1 of 4 stars; one submission).

Submission:

Labcorp Genetics (formerly Invitae), Labcorp
Classification: Uncertain significance. Last evaluated: 2023-07-29. Review status: criteria provided, single submitter. Criteria: Invitae Variant Classification Sherloc (09022015). Collection method: clinical testing. Allele origin: germline.
Comment: In summary, the available evidence is currently insufficient to determine the role of this variant in disease. Therefore, it has been classified as a Variant of Uncertain Significance. Variants that disrupt the consensus splice site are a relatively common cause of aberrant splicing (PMID: 17576681, 9536098). Algorithms developed to predict the effect of sequence changes on RNA splicing suggest that this variant may disrupt the consensus splice site. ClinVar contains an entry for this variant (Variation ID: 1440697). This variant has not been reported in the literature in individuals affected with VAV1-related conditions. This variant is not present in population databases (gnomAD no frequency). This sequence change falls in intron 22 of the VAV1 gene. It does not directly change the encoded amino acid sequence of the VAV1 protein. It affects a nucleotide within the consensus splice site.

Literature cited by the submitters: PubMed 17576681; PubMed 9536098.

NM_005428.4(VAV1):c.2013-3C>A

Gene: VAV1 (vav guanine nucleotide exchange factor 1; plus strand). Cytogenetic location: 19p13.3.
Variant type: single nucleotide variant.
Coding change: c.2013-3C>A on transcript NM_005428.4 (MANE Select); 3 bases into the intron before coding-DNA position 2013, C replaced by A.
Molecular consequence: intron variant.
Genome position (GRCh38, 1-based): chr19:6,847,995, C>A. VCF-style: chr19-6847995-C-A. GRCh37 (hg19) VCF-style: chr19-6848006-C-A.
Other names: c.1947-3C>A (NM_001258206.2); c.1917-3C>A (NM_001258207.2).
Identifiers: ClinVar variation 1440697 (VCV001440697.6), dbSNP rs2144822812, ClinGen allele CA2573155979.